The following is an entry in ClinVar:

NM_003924.4(PHOX2B):c.241+6G>T

Genes: PHOX2B (paired like homeobox 2B; minus strand), PHOX2B-AS1 (PHOX2B antisense RNA 1; plus strand). Cytogenetic location: 4p13.
Variant type: single nucleotide variant.
Coding change: c.241+6G>T on transcript NM_003924.4 (MANE Select); 6 bases into the intron after coding-DNA position 241, G replaced by T.
Molecular consequence: intron variant.
Genome position (GRCh38, 1-based): chr4:41,748,364, C>A on the plus strand (G>T on the coding strand, the complement: PHOX2B is on the minus strand). VCF-style: chr4-41748364-C-A. GRCh37 (hg19) VCF-style: chr4-41750381-C-A.
Identifiers: ClinVar variation 577171 (VCV000577171.9), dbSNP rs776614949, ClinGen allele CA438979474.
Genomic context (GRCh38, chr4:41,748,364, plus strand): 5'-AATCAAGGCTTCCTATATACGGGCGGAAAGGCGGCTTCCTCCGCTGAGAAAGCTGAAGGT[C>A]CTTACCTGCGGCGTACGGACTGCTCTGGTGGTCCCTGAGGGTGCCCAGGCTGCAGGATCC-3'

ClinVar aggregate classification (germline): Uncertain significance. Review status: criteria provided, multiple submitters, no conflicts (2 of 4 stars). 2 submissions from 2 submitters: Uncertain significance (2). Last evaluated 2024-04-01.

Conditions:
Haddad syndrome (OHD). Also called: Ondine-Hirschsprung disease. Identifiers: Orphanet 99803, MedGen C1859049, MONDO:0020493.

gnomAD v4.1: 4 of 1,613,940 alleles (0.00025%); highest among the groups gnomAD compares: Admixed American, 0.0067%; no homozygotes.

Submissions (2):

GeneDx
Classification: Uncertain significance. Last evaluated: 2024-04-01. Review status: criteria provided, single submitter. Criteria: GeneDx Variant Classification Process June 2021. Collection method: clinical testing. Allele origin: germline. Affected: yes.
Comment: Not observed at significant frequency in large population cohorts (gnomAD); In silico analysis supports that this variant does not alter splicing; Has not been previously published as pathogenic or benign to our knowledge

Labcorp Genetics (formerly Invitae), Labcorp
Classification: Uncertain significance for Haddad syndrome. Last evaluated: 2023-10-18. Review status: criteria provided, single submitter. Criteria: Invitae Variant Classification Sherloc (09022015). Collection method: clinical testing. Allele origin: germline.
Comment: This sequence change falls in intron 1 of the PHOX2B gene. It does not directly change the encoded amino acid sequence of the PHOX2B protein. It affects a nucleotide within the consensus splice site. This variant is present in population databases (no rsID available, gnomAD no frequency). This variant has not been reported in the literature in individuals affected with PHOX2B-related conditions. ClinVar contains an entry for this variant (Variation ID: 577171). Variants that disrupt the consensus splice site are a relatively common cause of aberrant splicing (PMID: 17576681, 9536098). Algorithms developed to predict the effect of sequence changes on RNA splicing suggest that this variant is not likely to affect RNA splicing. In summary, the available evidence is currently insufficient to determine the role of this variant in disease. Therefore, it has been classified as a Variant of Uncertain Significance.

Literature cited by the submitters: PubMed 17576681 (cited by Labcorp Genetics (formerly Invitae), Labcorp); PubMed 9536098 (cited by Labcorp Genetics (formerly Invitae), Labcorp).